The following is an entry in ClinVar:

ClinVar aggregate classification (germline): Uncertain significance (1 of 4 stars; one submission).

Submission:

Ambry Genetics
Classification: Uncertain significance. Last evaluated: 2023-02-21. Review status: criteria provided, single submitter. Criteria: Ambry Variant Classification Scheme 2023. Collection method: clinical testing. Allele origin: germline.
Comment: The p.D648G variant (also known as c.1943A>G), located in coding exon 3 of the ALPK2 gene, results from an A to G substitution at nucleotide position 1943. The aspartic acid at codon 648 is replaced by glycine, an amino acid with similar properties. This amino acid position is conserved. In addition, this alteration is predicted to be tolerated by in silico analysis. Since supporting evidence is limited at this time, the clinical significance of this alteration remains unclear.

NM_052947.4(ALPK2):c.1943A>G (p.Asp648Gly)

Gene: ALPK2 (alpha kinase 2; minus strand). Cytogenetic location: 18q21.31.
Variant type: single nucleotide variant.
Coding change: c.1943A>G on transcript NM_052947.4 (MANE Select); coding-DNA position 1943, A replaced by G.
Protein change: p.Asp648Gly; replaces aspartic acid 648 with glycine.
Molecular consequence: missense variant.
Genome position (GRCh38, 1-based): chr18:58,578,833, T>C on the plus strand (A>G on the coding strand, the complement: ALPK2 is on the minus strand). VCF-style: chr18-58578833-T-C. GRCh37 (hg19) VCF-style: chr18-56246065-T-C.
Other names: short protein forms D648G.
Identifiers: ClinVar variation 2449290 (VCV002449290.2), dbSNP rs2518898405, ClinGen allele CA402559378.
Genomic context (GRCh38, chr18:58,578,833, plus strand): 5'-GTTCTTTTTATCTCGTAATTTCTTTAAAAGAAAAGTCTTACCTGAGGAGGATCACTCCAG[T>C]CTGGAACCTGGCTTGTTTCAAATAGAGTATTAACTTGCATGCCTTCTCCCTTGCAATTTG-3'
Protein context (NP_443179.3, residues 638-658): NTLFETSQVP[Asp648Gly]WSDPPQVQVQ